The following is an entry in ClinVar:

NM_000308.4(CTSA):c.869+1G>C

Gene: CTSA (cathepsin A; plus strand). Cytogenetic location: 20q13.12.
Variant type: single nucleotide variant.
Coding change: c.869+1G>C on transcript NM_000308.4 (MANE Select); the canonical splice donor site of the intron after coding-DNA position 869, G replaced by C.
Molecular consequence: splice donor variant.
Genome position (GRCh38, 1-based): chr20:45,894,742, G>C. VCF-style: chr20-45894742-G-C. GRCh37 (hg19) VCF-style: chr20-44523381-G-C.
Other names: c.869+1G>C (NM_001127695.3); c.818+1G>C (NM_001167594.3).
Identifiers: ClinVar variation 966981 (VCV000966981.8), dbSNP rs1987148852, ClinGen allele CA409252098.
Genomic context (GRCh38, chr20:45,894,742, plus strand): 5'-TGGCCTCAACATCTACAATCTCTATGCCCCGTGTGCTGGAGGGGTGCCCAGCCATTTTAG[G>C]TAGGTGCTGCTGGGTGCCCCTGGAGCCAACCCCAGCCCCATCTGGAGGCTCCACACCCAT-3'

ClinVar aggregate classification (germline): Likely pathogenic (1 of 4 stars; one submission).

Conditions:
Combined deficiency of sialidase AND beta galactosidase (GSL). Also called: GOLDBERG SYNDROME; NEURAMINIDASE DEFICIENCY WITH BETA-GALACTOSIDASE DEFICIENCY; NEURAMINIDASE/BETA-GALACTOSIDASE EXPRESSION; PPCA DEFICIENCY; PROTECTIVE PROTEIN/CATHEPSIN A DEFICIENCY; Galactosialidosis. Identifiers: Orphanet 351, MedGen C0268233, MONDO:0009737, OMIM 256540.

Allele frequency attached by ClinVar (database versions not stated): TOPMed below 0.00001; gnomAD 0.00001.

Submission:

Labcorp Genetics (formerly Invitae), Labcorp
Classification: Likely pathogenic for Combined deficiency of sialidase AND beta galactosidase. Last evaluated: 2019-11-05. Review status: criteria provided, single submitter. Criteria: Invitae Variant Classification Sherloc (09022015). Collection method: clinical testing. Allele origin: germline.
Comment: In summary, the currently available evidence indicates that the variant is pathogenic, but additional data are needed to prove that conclusively. Therefore, this variant has been classified as Likely Pathogenic. Donor and acceptor splice site variants typically lead to a loss of protein function (PMID: 16199547), and loss-of-function variants in CTSA are known to be pathogenic (PMID: 15110321, 23915561). This variant has not been reported in the literature in individuals with CTSA-related conditions. This sequence change affects a donor splice site in intron 9 of the CTSA gene. It is expected to disrupt RNA splicing and likely results in an absent or disrupted protein product. This variant is not present in population databases (ExAC no frequency).

Literature cited by the submitters: PubMed 16199547; PubMed 15110321; PubMed 23915561.